The following is an entry in ClinVar:

NM_000489.6(ATRX):c.1257G>A (p.Ala419=)

Gene: ATRX (ATRX chromatin remodeler; minus strand). Cytogenetic location: Xq21.1.
Variant type: single nucleotide variant.
Coding change: c.1257G>A on transcript NM_000489.6 (MANE Select); coding-DNA position 1257, G replaced by A.
Protein change: p.Ala419=; no amino-acid change (alanine 419 retained).
Molecular consequence: synonymous variant.
Genome position (GRCh38, 1-based): chrX:77,683,999, C>T on the plus strand (G>A on the coding strand, the complement: ATRX is on the minus strand). VCF-style: chrX-77683999-C-T. GRCh37 (hg19) VCF-style: chrX-76939491-C-T.
Other names: c.1257G>A (NM_000489.3); c.1143G>A, p.Ala381= (NM_138270.5).
Identifiers: ClinVar variation 698407 (VCV000698407.19), dbSNP rs185550133, ClinGen allele CA10458221.

ClinVar aggregate classification (germline): Benign/Likely benign. Review status: criteria provided, multiple submitters, no conflicts (2 of 4 stars). 5 submissions from 5 submitters: Benign (1); Likely benign (2). 2 of the submissions do not count toward it. Last evaluated 2026-01-07.

Conditions:
ATRX-related disorder. Also called: ATRX-related condition.
Alpha thalassemia-X-linked intellectual disability syndrome (ATRX). Also called: ATR-X syndrome; Alpha thalassemia mental retardation syndrome, nondeletion type, X-linked; XLMR hypotonic face syndrome; ALPHA-THALASSEMIA/MENTAL RETARDATION SYNDROME, X-LINKED; ATR, NONDELETION TYPE; X-linked alpha-thalassemia-mental retardation syndrome. Identifiers: Orphanet 847, MedGen C1845055, MONDO:0010519, OMIM 301040.

Allele frequency attached by ClinVar (database versions not stated): gnomAD 0.00002 and 0.00003; gnomAD exomes 0.00002 and 0.00013; TOPMed 0.00005; ExAC 0.00009; 1000 Genomes Project 30x 0.00021; 1000 Genomes Project 0.00026.
gnomAD v4.1: 30 of 1,206,421 alleles (0.0025%); highest among the groups gnomAD compares: East Asian, 0.059%; no homozygotes.

Submissions (5):

Labcorp Genetics (formerly Invitae), Labcorp
Classification: Benign for Alpha thalassemia-X-linked intellectual disability syndrome. Last evaluated: 2026-01-07. Review status: criteria provided, single submitter. Criteria: Invitae Variant Classification Sherloc (09022015). Collection method: clinical testing. Allele origin: germline.

Blueprint Genetics
Classification: Likely benign. Last evaluated: 2022-07-25. Review status: criteria provided, single submitter. Criteria: ACMG Guidelines, 2015. Collection method: clinical testing. Allele origin: germline.

GeneDx
Classification: Likely benign. Last evaluated: 2020-05-18. Review status: criteria provided, single submitter. Criteria: GeneDx Variant Classification Process June 2021. Collection method: clinical testing. Allele origin: germline. Affected: yes.
Comment: See Variant Classification Assertion Criteria.

PreventionGenetics, part of Exact Sciences
Classification: Likely benign for ATRX-related condition. Last evaluated: 2021-02-23. Review status: no assertion criteria provided. Collection method: clinical testing. Allele origin: germline. Not counted in ClinVar's aggregate classification.
Comment: This variant is classified as likely benign based on ACMG/AMP sequence variant interpretation guidelines (Richards et al. 2015 PMID: 25741868, with internal and published modifications).

Natera, Inc.
Classification: Likely benign for X-linked alpha-thalassemia-mental retardation syndrome. Last evaluated: 2020-02-01. Review status: no assertion criteria provided. Collection method: clinical testing. Allele origin: germline. Not counted in ClinVar's aggregate classification.